The following is an entry in ClinVar:

NM_000313.4(PROS1):c.1009G>A (p.Val337Met)

Gene: PROS1 (protein S; minus strand). Cytogenetic location: 3q11.1.
Variant type: single nucleotide variant.
Coding change: c.1009G>A on transcript NM_000313.4 (MANE Select); coding-DNA position 1009, G replaced by A.
Protein change: p.Val337Met; replaces valine 337 with methionine.
Molecular consequence: missense variant.
Genome position (GRCh38, 1-based): chr3:93,893,079, C>T on the plus strand (G>A on the coding strand, the complement: PROS1 is on the minus strand). VCF-style: chr3-93893079-C-T. GRCh37 (hg19) VCF-style: chr3-93611923-C-T.
Other names: c.1105G>A, p.Val369Met (NM_001314077.2); short protein forms V337M, V369M.
Identifiers: ClinVar variation 3605759 (VCV003605759.2).
Genomic context (GRCh38, chr3:93,893,079, plus strand): 5'-CACCACGAAGTGCAATCAGGAGCCACGCTGAGTGATCGATAGATTCTGCGTACAGTATCA[C>T]GCCTTCTGAATCATATGTCCGGAAATCAAATTCTGCTGAAAATCTAAACAATGGACAAAG-3'
Protein context (NP_000304.2, residues 327-347): FDFRTYDSEG[Val337Met]ILYAESIDHS

ClinVar aggregate classification (germline): Uncertain significance (1 of 4 stars; one submission).

Conditions:
Thrombophilia due to protein S deficiency, autosomal recessive (THPH6). Identifiers: Orphanet 743, MedGen C3281092, MONDO:0013791, OMIM 614514. Disease mechanism: loss of function.

gnomAD v4.1: 19 of 1,613,866 alleles (0.0012%); highest among the groups gnomAD compares: East Asian, 0.013%; no homozygotes.

Submission:

Labcorp Genetics (formerly Invitae), Labcorp
Classification: Uncertain significance for Thrombophilia due to protein S deficiency, autosomal recessive. Last evaluated: 2024-04-09. Review status: criteria provided, single submitter. Criteria: Invitae Variant Classification Sherloc (09022015). Collection method: clinical testing. Allele origin: germline.
Comment: This sequence change replaces valine, which is neutral and non-polar, with methionine, which is neutral and non-polar, at codon 337 of the PROS1 protein (p.Val337Met). This variant is present in population databases (rs200771229, gnomAD 0.006%). This variant has not been reported in the literature in individuals affected with PROS1-related conditions. Advanced modeling of protein sequence and biophysical properties (such as structural, functional, and spatial information, amino acid conservation, physicochemical variation, residue mobility, and thermodynamic stability) has been performed at Invitae for this missense variant, however the output from this modeling did not meet the statistical confidence thresholds required to predict the impact of this variant on PROS1 protein function. In summary, the available evidence is currently insufficient to determine the role of this variant in disease. Therefore, it has been classified as a Variant of Uncertain Significance.